The following is an entry in ClinVar:

ClinVar aggregate classification (germline): Uncertain significance. Review status: criteria provided, multiple submitters, no conflicts (2 of 4 stars). 2 submissions from 2 submitters: Uncertain significance (2). Last evaluated 2025-02-21.

Conditions:
Autosomal dominant hypocalcemia 1 (HYPOC1). Also called: HYPOCALCEMIA, FAMILIAL. Identifiers: MedGen C3715128, MONDO:0011013, OMIM 601198.
Familial hypocalciuric hypercalcemia (FHH). Also called: Familial benign hypercalcemia. Identifiers: Orphanet 405, MedGen C1809471, MONDO:0018458.

Submissions (2):

Women's Health and Genetics/Laboratory Corporation of America, LabCorp
Classification: Uncertain significance. Last evaluated: 2025-02-21. Review status: criteria provided, single submitter. Criteria: LabCorp Variant Classification Summary - May 2015. Collection method: clinical testing. Allele origin: germline.
Comment: Variant summary: CASR c.2803C>T (p.Pro935Ser) results in a non-conservative amino acid change in the encoded protein sequence. Three of five in-silico tools predict a damaging effect of the variant on protein function. The variant was absent in 250974 control chromosomes. The available data on variant occurrences in the general population are insufficient to allow any conclusion about variant significance. To our knowledge, no occurrence of c.2803C>T in individuals affected with Autosomal Dominant Hypocalcemia and no experimental evidence demonstrating its impact on protein function have been reported. ClinVar contains an entry for this variant (Variation ID: 2929920). Based on the evidence outlined above, the variant was classified as uncertain significance.

Labcorp Genetics (formerly Invitae), Labcorp
Classification: Uncertain significance for Familial hypocalciuric hypercalcemia; Autosomal dominant hypocalcemia 1. Last evaluated: 2023-04-03. Review status: criteria provided, single submitter. Criteria: Invitae Variant Classification Sherloc (09022015). Collection method: clinical testing. Allele origin: germline.
Comment: This sequence change replaces proline, which is neutral and non-polar, with serine, which is neutral and polar, at codon 935 of the CASR protein (p.Pro935Ser). This variant is not present in population databases (gnomAD no frequency). This variant has not been reported in the literature in individuals affected with CASR-related conditions. An algorithm developed to predict the effect of missense changes on protein structure and function (PolyPhen-2) suggests that this variant is likely to be tolerated. In summary, the available evidence is currently insufficient to determine the role of this variant in disease. Therefore, it has been classified as a Variant of Uncertain Significance.

NM_000388.4(CASR):c.2803C>T (p.Pro935Ser)

Gene: CASR (calcium sensing receptor; plus strand). Cytogenetic location: 3q21.1.
Variant type: single nucleotide variant.
Coding change: c.2803C>T on transcript NM_000388.4 (MANE Select); coding-DNA position 2803, C replaced by T.
Protein change: p.Pro935Ser; replaces proline 935 with serine.
Molecular consequence: missense variant.
Genome position (GRCh38, 1-based): chr3:122,284,757, C>T. VCF-style: chr3-122284757-C-T. GRCh37 (hg19) VCF-style: chr3-122003604-C-T.
Other names: c.2833C>T, p.Pro945Ser (NM_001178065.2); short protein forms P935S, P945S.
Identifiers: ClinVar variation 2929920 (VCV002929920.4), dbSNP rs201449422, ClinGen allele CA354160808.